The following is an entry in ClinVar:

ClinVar aggregate classification (germline): Likely benign. Review status: criteria provided, multiple submitters, no conflicts (2 of 4 stars). 3 submissions from 3 submitters: Likely benign (2). 1 of the submissions does not count toward it. Last evaluated 2025-07-11.

Conditions:
KDF1-related disorder. Also called: KDF1-related condition.

Allele frequency attached by ClinVar (database versions not stated): gnomAD exomes 0.00037; ExAC 0.00067; 1000 Genomes Project 0.00140; 1000 Genomes Project 30x 0.00141; gnomAD 0.00176; TOPMed 0.00207; ESP Exome Variant Server 0.00231.

Submissions (3):

Labcorp Genetics (formerly Invitae), Labcorp
Classification: Likely benign. Last evaluated: 2025-07-11. Review status: criteria provided, single submitter. Criteria: Invitae Variant Classification Sherloc (09022015). Collection method: clinical testing. Allele origin: germline.

Blueprint Genetics
Classification: Likely benign. Last evaluated: 2024-10-09. Review status: criteria provided, single submitter. Criteria: ACMG Guidelines, 2015. Collection method: clinical testing. Allele origin: germline.

PreventionGenetics, part of Exact Sciences
Classification: Benign for KDF1-related condition. Last evaluated: 2020-10-06. Review status: no assertion criteria provided. Collection method: clinical testing. Allele origin: germline. Not counted in ClinVar's aggregate classification.
Comment: This variant is classified as benign based on ACMG/AMP sequence variant interpretation guidelines (Richards et al. 2015 PMID: 25741868, with internal and published modifications).

NM_152365.3(KDF1):c.302G>A (p.Arg101His)

Gene: KDF1 (keratinocyte differentiation factor 1; minus strand). Cytogenetic location: 1p36.11.
Variant type: single nucleotide variant.
Coding change: c.302G>A on transcript NM_152365.3 (MANE Select); coding-DNA position 302, G replaced by A.
Protein change: p.Arg101His; replaces arginine 101 with histidine.
Molecular consequence: missense variant.
Genome position (GRCh38, 1-based): chr1:26,952,079, C>T on the plus strand (G>A on the coding strand, the complement: KDF1 is on the minus strand). VCF-style: chr1-26952079-C-T. GRCh37 (hg19) VCF-style: chr1-27278570-C-T.
Other names: c.302G>A (NM_152365.2); short protein forms R101H.
Identifiers: ClinVar variation 2857743 (VCV002857743.6), dbSNP rs139183337, ClinGen allele CA710343.
Genomic context (GRCh38, chr1:26,952,079, plus strand): 5'-CCCTCAGTGGAGTCCTCAGTAGACAGGCAGGGGCTGCATCCCCGCACACAGGCTCCACAG[C>T]GCTGGAGGCAATCCCGGCAGCGGCGGAAGCAGAAGGCAGCCCGGCACCACTCCCACACCC-3'
Protein context (NP_689578.2, residues 91-111): CFRRCRDCLQ[Arg101His]CGACVRGCSP